The following is an entry in ClinVar:

NM_001367624.2(ZNF469):c.7085C>T (p.Ser2362Phe)

Gene: ZNF469 (zinc finger protein 469; plus strand). Cytogenetic location: 16q24.2.
Variant type: single nucleotide variant.
Coding change: c.7085C>T on transcript NM_001367624.2 (MANE Select); coding-DNA position 7085, C replaced by T.
Protein change: p.Ser2362Phe; replaces serine 2362 with phenylalanine.
Molecular consequence: missense variant.
Genome position (GRCh38, 1-based): chr16:88,434,555, C>T. VCF-style: chr16-88434555-C-T. GRCh37 (hg19) VCF-style: chr16-88500963-C-T.
Other names: NM_001127464.1:c.7001C>T; short protein forms S2362F.
Identifiers: ClinVar variation 1254324 (VCV001254324.9), dbSNP rs1028993119, ClinGen allele CA286382323.

ClinVar aggregate classification (germline): Conflicting classifications of pathogenicity. Review status: criteria provided, conflicting classifications (1 of 4 stars). 3 submissions from 3 submitters: Uncertain significance (2); Likely benign (1). Last evaluated 2024-09-28.

Conditions:
Cardiovascular phenotype. Identifiers: MedGen CN230736.

Allele frequency attached by ClinVar (database versions not stated): gnomAD 0.00001; gnomAD exomes 0.00001.
gnomAD v4.1: 52 of 1,550,196 alleles (0.0034%); highest among the groups gnomAD compares: Non-Finnish European, 0.0042%; no homozygotes.

Submissions (3):

Ambry Genetics
Classification: Likely benign for Cardiovascular phenotype. Last evaluated: 2024-09-28. Review status: criteria provided, single submitter. Criteria: Ambry Variant Classification Scheme 2023. Collection method: clinical testing. Allele origin: germline.

Labcorp Genetics (formerly Invitae), Labcorp
Classification: Uncertain significance. Last evaluated: 2024-09-06. Review status: criteria provided, single submitter. Criteria: Invitae Variant Classification Sherloc (09022015). Collection method: clinical testing. Allele origin: germline.
Comment: This sequence change replaces serine, which is neutral and polar, with phenylalanine, which is neutral and non-polar, at codon 2334 of the ZNF469 protein (p.Ser2334Phe). This variant is present in population databases (no rsID available, gnomAD 0.007%). This variant has not been reported in the literature in individuals affected with ZNF469-related conditions. ClinVar contains an entry for this variant (Variation ID: 1254324). An algorithm developed to predict the effect of missense changes on protein structure and function (PolyPhen-2) suggests that this variant is likely to be disruptive. In summary, the available evidence is currently insufficient to determine the role of this variant in disease. Therefore, it has been classified as a Variant of Uncertain Significance.

GeneDx
Classification: Uncertain significance. Last evaluated: 2021-08-09. Review status: criteria provided, single submitter. Criteria: GeneDx Variant Classification Process June 2021. Collection method: clinical testing. Allele origin: germline. Affected: yes.
Comment: Has not been previously published as pathogenic or benign to our knowledge; Not observed at significant frequency in large population cohorts (Lek et al., 2016); In silico analysis supports that this missense variant does not alter protein structure/function